The following is an entry in ClinVar:

ClinVar aggregate classification (germline): Conflicting classifications of pathogenicity. Review status: criteria provided, conflicting classifications (1 of 4 stars). 6 submissions from 6 submitters: Likely pathogenic (4); Uncertain significance (1). 1 of the submissions does not count toward it. Last evaluated 2026-01-27.

Conditions:
Polycystic kidney disease 4 (PKD4). Also called: POLYCYSTIC KIDNEY DISEASE 4 WITH OR WITHOUT POLYCYSTIC LIVER DISEASE; Autosomal Recessive Polycystic Kidney Disease – PKHD1; PKD3; POLYCYSTIC KIDNEY AND HEPATIC DISEASE 1; POLYCYSTIC KIDNEY DISEASE, INFANTILE, TYPE I. Identifiers: MedGen C4540575, MONDO:0033004, OMIM 263200.
Autosomal recessive polycystic kidney disease (ARPKD). Also called: AR polycystic kidney disease. Identifiers: Orphanet 731, Orphanet 8378, MedGen C0085548, MeSH D017044, MONDO:0009889.

gnomAD v4.1: 1 of 1,584,436 alleles (0.000063%); highest among the groups gnomAD compares: Non-Finnish European, 0.000087%; no homozygotes.

Submissions (6):

Myriad Genetics, Inc.
Classification: Uncertain significance for Polycystic kidney disease 4. Last evaluated: 2026-01-27. Review status: criteria provided, single submitter. Criteria: Myriad Autosomal Dominant, Autosomal Recessive and X-Linked Classification Criteria (2023). Collection method: clinical testing. Allele origin: unknown.
Comment: NM_138694.3(PKHD1):c.664A>C(I222L) is a missense variant classified as a variant of uncertain significance in the context of autosomal recessive polycystic kidney disease, PKHD1-related. I222L has been observed in cases with relevant disease (PMID: 32203225, 35812281, 33940108). Relevant functional assessments of this variant are not available in the literature. I222L has not been observed in referenced population frequency databases. In summary, there is insufficient evidence to classify NM_138694.3(PKHD1):c.664A>C(I222L) as pathogenic or benign. Please note: this variant was assessed in the context of healthy population screening.

Natera, Inc.
Classification: Likely pathogenic for Autosomal recessive polycystic kidney disease. Last evaluated: 2025-07-31. Review status: criteria provided, single submitter. Criteria: Natera Variant Classification Schema (03/2026). Collection method: clinical testing. Allele origin: germline.
Comment: The c.664A>C variant in PKHD1 is a missense variant predicted to cause substitution of isoleucine to leucine at amino acid 222. This variant is rare in the general population with a frequency below the threshold expected for the associated phenotype(s). This variant has been observed in one or more individuals affected with the associated recessive disease, as either homozygous or compound heterozygous with a second variant (PMID: 26673778, 33940108, 32203225). A different variant at the same position has been determined to be Pathogenic or Likely Pathogenic. Multiple computational prediction algorithms suggest this variant is unlikely to affect gene or protein function. Given the available evidence, this variant is classified as Likely Pathogenic.

Women's Health and Genetics/Laboratory Corporation of America, LabCorp
Classification: Likely pathogenic for Autosomal recessive polycystic kidney disease. Last evaluated: 2025-05-27. Review status: criteria provided, single submitter. Criteria: LabCorp Variant Classification Summary - May 2015. Collection method: clinical testing. Allele origin: germline.
Comment: Variant summary: PKHD1 c.664A>C (p.Ile222Leu) results in a conservative amino acid change in the encoded protein sequence. Algorithms developed to predict the effect of missense changes on protein structure and function all suggest that this variant is likely to be tolerated. The variant was absent in 250892 control chromosomes. c.664A>C has been observed in the compound heterozygous state in individuals affected with Polycystic Kidney And Hepatic Disease (Schueler_2016, Thomas_2020). These data indicate that the variant may be associated with disease. A different variant affecting the same codon has been classified as likely pathogenic/pathogenic by our lab (c.664A>G, p.Ile222Val), supporting the critical relevance of codon 222 to PKHD1 protein function. To our knowledge, no experimental evidence demonstrating an impact on protein function has been reported. The following publications have been ascertained in the context of this evaluation (PMID: 26673778, 32203225). ClinVar contains an entry for this variant (Variation ID: 1371356). Based on the evidence outlined above, the variant was classified as likely pathogenic.

GeneDx
Classification: Likely pathogenic. Last evaluated: 2024-05-16. Review status: criteria provided, single submitter. Criteria: GeneDx Variant Classification Process June 2021. Collection method: clinical testing. Allele origin: germline. Affected: yes.
Comment: Not observed at significant frequency in large population cohorts (gnomAD); In silico analysis indicates that this missense variant does not alter protein structure/function; This variant is associated with the following publications: (PMID: 27225849, 20413436, 11919560, 11898128, 15698423, 32203225, 26673778, 35812281)

Baylor Genetics
Classification: Likely pathogenic for Polycystic kidney disease 4. Last evaluated: 2024-03-01. Review status: criteria provided, single submitter. Criteria: ACMG Guidelines, 2015. Collection method: clinical testing. Allele origin: unknown.

Labcorp Genetics (formerly Invitae), Labcorp
Classification: Uncertain significance for Autosomal recessive polycystic kidney disease. Last evaluated: 2021-09-01. Review status: flagged submission. Criteria: Invitae Variant Classification Sherloc (09022015). Collection method: clinical testing. Allele origin: germline. Not counted in ClinVar's aggregate classification.
Comment: This sequence change replaces isoleucine with leucine at codon 222 of the PKHD1 protein (p.Ile222Leu). The isoleucine residue is moderately conserved and there is a small physicochemical difference between isoleucine and leucine. This variant is not present in population databases (ExAC no frequency). This variant has not been reported in the literature in individuals affected with PKHD1-related conditions. Algorithms developed to predict the effect of missense changes on protein structure and function are either unavailable or do not agree on the potential impact of this missense change (SIFT: "Deleterious"; PolyPhen-2: "Benign"; Align-GVGD: "Class C0"). This variant disrupts the p.Ile222 amino acid residue in PKHD1. Other variant(s) that disrupt this residue have been determined to be pathogenic (PMID: 11919560, 12506140, 12846734, 15698423). This suggests that this residue is clinically significant, and that variants that disrupt this residue are likely to be disease-causing. In summary, the available evidence is currently insufficient to determine the role of this variant in disease. Therefore, it has been classified as a Variant of Uncertain Significance.
ClinVar note: Reason: Outlier claim with insufficient supporting evidence

Literature cited by the submitters: PubMed 32203225 (cited by 3 submitters); PubMed 33940108 (cited by Myriad Genetics, Inc. and Natera, Inc.); PubMed 35812281 (cited by Myriad Genetics, Inc.); PubMed 26673778 (cited by Natera, Inc. and Women's Health and Genetics/Laboratory Corporation of America, LabCorp); PubMed 11919560 (cited by Labcorp Genetics (formerly Invitae), Labcorp); PubMed 12506140 (cited by Labcorp Genetics (formerly Invitae), Labcorp); PubMed 12846734 (cited by Labcorp Genetics (formerly Invitae), Labcorp); PubMed 15698423 (cited by Labcorp Genetics (formerly Invitae), Labcorp).

NM_138694.4(PKHD1):c.664A>C (p.Ile222Leu)

Gene: PKHD1 (PKHD1 ciliary IPT domain containing fibrocystin/polyductin; minus strand). Cytogenetic location: 6p12.2.
Variant type: single nucleotide variant.
Coding change: c.664A>C on transcript NM_138694.4 (MANE Select); coding-DNA position 664, A replaced by C.
Protein change: p.Ile222Leu; replaces isoleucine 222 with leucine.
Molecular consequence: missense variant.
Genome position (GRCh38, 1-based): chr6:52,071,009, T>G on the plus strand (A>C on the coding strand, the complement: PKHD1 is on the minus strand). VCF-style: chr6-52071009-T-G. GRCh37 (hg19) VCF-style: chr6-51935807-T-G.
Other names: c.664A>C (NM_138694.3); c.664A>C, p.Ile222Leu (NM_170724.3); short protein forms I222L.
Identifiers: ClinVar variation 1371356 (VCV001371356.11), dbSNP rs369925690, ClinGen allele CA138924757.